The following is an entry in ClinVar:

NR_104080.1(RNU6-9):n.105T>C

Gene: RNU6-9 (RNA, U6 small nuclear 9; plus strand). Cytogenetic location: 19p13.3.
Variant type: single nucleotide variant.
Molecular consequence: non-coding transcript variant (on NR_104080.1).
Genome position: GRCh38 VCF-style: chr19-893588-T-C. GRCh37 (hg19) VCF-style: chr19-893588-T-C.
Identifiers: ClinVar variation 4281291 (VCV004281291.7).

ClinVar aggregate classification (germline): Likely benign (1 of 4 stars; one submission).

Submission:

CeGaT Center for Human Genetics Tuebingen
Classification: Likely benign. Last evaluated: 2025-09-01. Review status: criteria provided, single submitter. Criteria: CeGaT Center For Human Genetics Tuebingen Variant Classification Criteria Version 2. Collection method: clinical testing. Allele origin: germline. Affected: yes. Observed: 1 variant allele.
Comment: RNU6-9: BS1